The following is an entry in ClinVar:

ClinVar aggregate classification (germline): Uncertain significance (1 of 4 stars; one submission).

Conditions:
RYR1-related disorder. Also called: RYR1-related condition; RYR1-related disorders. Identifiers: MedGen CN239331.

Submission:

Labcorp Genetics (formerly Invitae), Labcorp
Classification: Uncertain significance for RYR1-related disorder. Last evaluated: 2022-03-18. Review status: criteria provided, single submitter. Criteria: Invitae Variant Classification Sherloc (09022015). Collection method: clinical testing. Allele origin: germline.
Comment: ClinVar contains an entry for this variant (Variation ID: 1015714). In summary, the available evidence is currently insufficient to determine the role of this variant in disease. Therefore, it has been classified as a Variant of Uncertain Significance. Advanced modeling of protein sequence and biophysical properties (such as structural, functional, and spatial information, amino acid conservation, physicochemical variation, residue mobility, and thermodynamic stability) performed at Invitae indicates that this missense variant is not expected to disrupt RYR1 protein function. This variant has not been reported in the literature in individuals affected with RYR1-related conditions. This variant is not present in population databases (gnomAD no frequency). This sequence change replaces glutamic acid, which is acidic and polar, with aspartic acid, which is acidic and polar, at codon 871 of the RYR1 protein (p.Glu871Asp).

NM_000540.3(RYR1):c.2613G>T (p.Glu871Asp)

Gene: RYR1 (ryanodine receptor 1; plus strand). Cytogenetic location: 19q13.2.
Variant type: single nucleotide variant.
Coding change: c.2613G>T on transcript NM_000540.3 (MANE Select); coding-DNA position 2613, G replaced by T.
Protein change: p.Glu871Asp; replaces glutamic acid 871 with aspartic acid.
Molecular consequence: missense variant.
Genome position (GRCh38, 1-based): chr19:38,463,458, G>T. VCF-style: chr19-38463458-G-T. GRCh37 (hg19) VCF-style: chr19-38954098-G-T.
Other names: c.2613G>T, p.Glu871Asp (NM_001042723.2); short protein forms E871D.
Identifiers: ClinVar variation 1015714 (VCV001015714.8), dbSNP rs1967897651, ClinGen allele CA405631878.
Genomic context (GRCh38, chr19:38,463,458, plus strand): 5'-CTCAAGAACGTCCCTCTGCCTCTAGATTGTCCTGCCGCCCCATCTGGAGCGCATTCGGGA[G>T]AAGCTGGCGGAGAACATCCACGAGCTCTGGGCGCTAACCCGCATCGAGCAGGGCTGGACC-3'
Protein context (NP_000531.2, residues 861-881): VLPPHLERIR[Glu871Asp]KLAENIHELW